The following is an entry in ClinVar:

ClinVar aggregate classification (germline): Uncertain significance. Review status: criteria provided, multiple submitters, no conflicts (2 of 4 stars). 3 submissions from 3 submitters: Uncertain significance (3). Last evaluated 2026-07-07.

Conditions:
Juvenile polyposis syndrome (JPS). Identifiers: Orphanet 2929, MedGen C0345893, MONDO:0017380, OMIM 174900.
Hereditary cancer-predisposing syndrome. Also called: Neoplastic Syndromes, Hereditary; Hereditary Cancer Syndrome; Tumor predisposition; Hereditary neoplastic syndrome. Identifiers: Orphanet 140162, MedGen C0027672, MeSH D009386, MONDO:0015356.

Submissions (3):

Ambry Genetics
Classification: Uncertain significance for Hereditary cancer-predisposing syndrome. Last evaluated: 2026-07-07. Review status: criteria provided, single submitter. Criteria: Ambry Variant Classification Scheme 2023. Collection method: clinical testing. Allele origin: germline.
Comment: The p.A166S variant (also known as c.496G>T), located in coding exon 5 of the BMPR1A gene, results from a G to T substitution at nucleotide position 496. The alanine at codon 166 is replaced by serine, an amino acid with similar properties. This amino acid position is conserved. In addition, this alteration is predicted to be tolerated by in silico analysis. Based on the available evidence, the clinical significance of this variant remains unclear.

Labcorp Genetics (formerly Invitae), Labcorp
Classification: Uncertain significance for Juvenile polyposis syndrome. Last evaluated: 2024-04-05. Review status: criteria provided, single submitter. Criteria: Invitae Variant Classification Sherloc (09022015). Collection method: clinical testing. Allele origin: germline.
Comment: This sequence change replaces alanine, which is neutral and non-polar, with serine, which is neutral and polar, at codon 166 of the BMPR1A protein (p.Ala166Ser). This variant is not present in population databases (gnomAD no frequency). This variant has not been reported in the literature in individuals affected with BMPR1A-related conditions. ClinVar contains an entry for this variant (Variation ID: 918707). Advanced modeling of protein sequence and biophysical properties (such as structural, functional, and spatial information, amino acid conservation, physicochemical variation, residue mobility, and thermodynamic stability) performed at Invitae indicates that this missense variant is not expected to disrupt BMPR1A protein function with a negative predictive value of 80%. In summary, the available evidence is currently insufficient to determine the role of this variant in disease. Therefore, it has been classified as a Variant of Uncertain Significance.

Color Diagnostics, LLC DBA Color Health
Classification: Uncertain significance for Hereditary cancer-predisposing syndrome. Last evaluated: 2023-12-05. Review status: criteria provided, single submitter. Criteria: ACMG Guidelines, 2015. Collection method: clinical testing. Allele origin: germline.
Comment: This missense variant replaces alanine with serine at codon 166 of the BMPR1A protein. Computational prediction tools and conservation analyses are inconclusive regarding the impact of this variant on the protein function. Computational splicing tools suggest that this variant may not impact RNA splicing. To our knowledge, functional assays have not been performed for this variant nor has this variant been reported in individuals affected with hereditary cancer in the literature. This variant has not been identified in the general population by the Genome Aggregation Database (gnomAD). Available evidence is insufficient to determine the role of this variant in disease conclusively. Therefore, this variant is classified as a Variant of Uncertain Significance.

NM_004329.3(BMPR1A):c.496G>T (p.Ala166Ser)

Gene: BMPR1A (bone morphogenetic protein receptor type 1A; plus strand). Cytogenetic location: 10q23.2.
Variant type: single nucleotide variant.
Coding change: c.496G>T on transcript NM_004329.3 (MANE Select); coding-DNA position 496, G replaced by T.
Protein change: p.Ala166Ser; replaces alanine 166 with serine.
Molecular consequence: missense variant.
Genome position (GRCh38, 1-based): chr10:86,900,092, G>T. VCF-style: chr10-86900092-G-T. GRCh37 (hg19) VCF-style: chr10-88659849-G-T.
Other names: short protein forms A166S.
Identifiers: ClinVar variation 918707 (VCV000918707.9), dbSNP rs971636078, ClinGen allele CA377450543.
Genomic context (GRCh38, chr10:86,900,092, plus strand): 5'-TTTTTTGATGGCAGCATTCGATGGCTGGTTTTGCTCATTTCTATGGCTGTCTGCATAATT[G>T]CTATGATCATCTTCTCCAGCTGCTTTTGTTACAAGTAAGAAGATATTTATTTTGAAGCAA-3'
Protein context (NP_004320.2, residues 156-176): LLISMAVCII[Ala166Ser]MIIFSSCFCY